The following is an entry in ClinVar:

NM_053025.4(MYLK):c.1456A>G (p.Ser486Gly)

Gene: MYLK (myosin light chain kinase; minus strand). Cytogenetic location: 3q21.1.
Variant type: single nucleotide variant.
Coding change: c.1456A>G on transcript NM_053025.4 (MANE Select); coding-DNA position 1456, A replaced by G.
Protein change: p.Ser486Gly; replaces serine 486 with glycine.
Molecular consequence: missense variant. On other transcripts: intron variant (2).
Genome position (GRCh38, 1-based): chr3:123,732,956, T>C on the plus strand (A>G on the coding strand, the complement: MYLK is on the minus strand). VCF-style: chr3-123732956-T-C. GRCh37 (hg19) VCF-style: chr3-123451803-T-C.
Other names: c.928A>G, p.Ser310Gly (NM_001321309.2); c.1456A>G, p.Ser486Gly (NM_053027.4); c.1309+731A>G (NM_053028.4, NM_053026.4); c.1456A>G (NM_053025.3); short protein forms S310G, S486G.
Identifiers: ClinVar variation 2420100 (VCV002420100.6), dbSNP rs771299009, ClinGen allele CA067096.

ClinVar aggregate classification (germline): Conflicting classifications of pathogenicity. Review status: criteria provided, conflicting classifications (1 of 4 stars). 2 submissions from 2 submitters: Uncertain significance (1); Likely benign (1). Last evaluated 2025-08-12.

Conditions:
Familial thoracic aortic aneurysm and aortic dissection (TAAD). Also called: Thoracic aortic aneurysms and dissections. Identifiers: Orphanet 91387, MedGen C4707243, MONDO:0019625.
Aortic aneurysm, familial thoracic 7 (AAT7). Also called: AORTIC DISSECTION, FAMILIAL, WITH OR WITHOUT AORTIC ANEURYSM. Identifiers: MedGen C3151077, MONDO:0013418, OMIM 613780.

Allele frequency attached by ClinVar (database versions not stated): gnomAD exomes below 0.00001; ExAC 0.00001.
gnomAD v4.1: 8 of 1,614,188 alleles (0.0005%); highest among the groups gnomAD compares: Non-Finnish European, 0.00059%; no homozygotes.

Submissions (2):

Labcorp Genetics (formerly Invitae), Labcorp
Classification: Uncertain significance for Aortic aneurysm, familial thoracic 7. Last evaluated: 2025-08-12. Review status: criteria provided, single submitter. Criteria: Invitae Variant Classification Sherloc (09022015). Collection method: clinical testing. Allele origin: germline.
Comment: This sequence change replaces serine, which is neutral and polar, with glycine, which is neutral and non-polar, at codon 486 of the MYLK protein (p.Ser486Gly). This variant is present in population databases (rs771299009, gnomAD 0.0009%). This variant has not been reported in the literature in individuals affected with MYLK-related conditions. ClinVar contains an entry for this variant (Variation ID: 2420100). Invitae Evidence Modeling of protein sequence and biophysical properties (such as structural, functional, and spatial information, amino acid conservation, physicochemical variation, residue mobility, and thermodynamic stability) indicates that this missense variant is not expected to disrupt MYLK protein function with a negative predictive value of 95%. In summary, the available evidence is currently insufficient to determine the role of this variant in disease. Therefore, it has been classified as a Variant of Uncertain Significance.

Ambry Genetics
Classification: Likely benign for Familial thoracic aortic aneurysm and aortic dissection. Last evaluated: 2025-06-23. Review status: criteria provided, single submitter. Criteria: Ambry Variant Classification Scheme 2023. Collection method: clinical testing. Allele origin: germline.